The following is an entry in ClinVar:

NM_005236.3(ERCC4):c.737C>T (p.Ser246Leu)

Gene: ERCC4 (ERCC excision repair 4, endonuclease catalytic subunit; plus strand). Cytogenetic location: 16p13.12.
Variant type: single nucleotide variant.
Coding change: c.737C>T on transcript NM_005236.3 (MANE Select); coding-DNA position 737, C replaced by T.
Protein change: p.Ser246Leu; replaces serine 246 with leucine.
Molecular consequence: missense variant.
Genome position (GRCh38, 1-based): chr16:13,928,180, C>T. VCF-style: chr16-13928180-C-T. GRCh37 (hg19) VCF-style: chr16-14022037-C-T.
Other names: c.737C>T (NM_005236.2); short protein forms S246L.
Identifiers: ClinVar variation 1440039 (VCV001440039.7), dbSNP rs370864937, ClinGen allele CA7910259.

ClinVar aggregate classification (germline): Uncertain significance. Review status: criteria provided, multiple submitters, no conflicts (2 of 4 stars). 2 submissions from 2 submitters: Uncertain significance (2). Last evaluated 2025-08-03.

Conditions:
Cockayne syndrome. Identifiers: Orphanet 191, MedGen C0009207, MONDO:0016006.
Xeroderma pigmentosum, group F (XPF). Also called: XERODERMA PIGMENTOSUM, COMPLEMENTATION GROUP F; XERODERMA PIGMENTOSUM, TYPE F; Xeroderma pigmentosum, type 6; ERCC4-Related Xeroderma Pigmentosum; XERODERMA PIGMENTOSUM VI; XP, GROUP F. Identifiers: MedGen C0268140, MONDO:0010215, OMIM 278760.
Fanconi anemia complementation group Q. Identifiers: Orphanet 84, MedGen C3808988, MONDO:0014108, OMIM 615272.
Inborn genetic diseases. Identifiers: MedGen C0950123, MeSH D030342.

Allele frequency attached by ClinVar (database versions not stated): gnomAD exomes below 0.00001 and 0.00002; ExAC 0.00001; gnomAD 0.00001; TOPMed 0.00001; ESP Exome Variant Server 0.00008.
gnomAD v4.1: 31 of 1,613,548 alleles (0.0019%); highest among the groups gnomAD compares: Non-Finnish European, 0.0025%; no homozygotes.

Submissions (2):

Ambry Genetics
Classification: Uncertain significance for Inborn genetic diseases. Last evaluated: 2025-08-03. Review status: criteria provided, single submitter. Criteria: Ambry Variant Classification Scheme 2023. Collection method: clinical testing. Allele origin: germline.

Labcorp Genetics (formerly Invitae), Labcorp
Classification: Uncertain significance for Fanconi anemia complementation group Q; Xeroderma pigmentosum, group F; Cockayne syndrome. Last evaluated: 2025-05-14. Review status: criteria provided, single submitter. Criteria: Invitae Variant Classification Sherloc (09022015). Collection method: clinical testing. Allele origin: germline.
Comment: This sequence change replaces serine, which is neutral and polar, with leucine, which is neutral and non-polar, at codon 246 of the ERCC4 protein (p.Ser246Leu). This variant is present in population databases (rs370864937, gnomAD 0.0009%). This variant has not been reported in the literature in individuals affected with ERCC4-related conditions. ClinVar contains an entry for this variant (Variation ID: 1440039). Invitae Evidence Modeling of protein sequence and biophysical properties (such as structural, functional, and spatial information, amino acid conservation, physicochemical variation, residue mobility, and thermodynamic stability) indicates that this missense variant is not expected to disrupt ERCC4 protein function with a negative predictive value of 80%. In summary, the available evidence is currently insufficient to determine the role of this variant in disease. Therefore, it has been classified as a Variant of Uncertain Significance.